The following is an entry in ClinVar:

ClinVar aggregate classification (germline): Uncertain significance. Review status: criteria provided, multiple submitters, no conflicts (2 of 4 stars). 2 submissions from 2 submitters: Uncertain significance (2). Last evaluated 2026-01-20.

Conditions:
Legius syndrome. Identifiers: Orphanet 137605, MedGen C1969623, MONDO:0012669, OMIM 611431. Disease mechanism: loss of function.

Allele frequency attached by ClinVar (database versions not stated): ExAC 0.00001; gnomAD exomes 0.00001.
gnomAD v4.1: 14 of 1,613,764 alleles (0.00087%); highest among the groups gnomAD compares: Non-Finnish European, 0.0011%; no homozygotes.

Submissions (2):

Labcorp Genetics (formerly Invitae), Labcorp
Classification: Uncertain significance for Legius syndrome. Last evaluated: 2026-01-20. Review status: criteria provided, single submitter. Criteria: Invitae Variant Classification Sherloc (09022015). Collection method: clinical testing. Allele origin: germline.
Comment: This sequence change replaces arginine, which is basic and polar, with glutamine, which is neutral and polar, at codon 117 of the SPRED1 protein (p.Arg117Gln). This variant is present in population databases (rs749378713, gnomAD 0.0009%). This variant has not been reported in the literature in individuals affected with SPRED1-related conditions. ClinVar contains an entry for this variant (Variation ID: 2506830). Invitae Evidence Modeling of protein sequence and biophysical properties (such as structural, functional, and spatial information, amino acid conservation, physicochemical variation, residue mobility, and thermodynamic stability) indicates that this missense variant is not expected to disrupt SPRED1 protein function with a negative predictive value of 80%. In summary, the available evidence is currently insufficient to determine the role of this variant in disease. Therefore, it has been classified as a Variant of Uncertain Significance.

GeneDx
Classification: Uncertain significance. Last evaluated: 2022-12-21. Review status: criteria provided, single submitter. Criteria: GeneDx Variant Classification Process June 2021. Collection method: clinical testing. Allele origin: germline. Affected: yes.
Comment: Not observed at significant frequency in large population cohorts (gnomAD); In silico analysis supports that this missense variant does not alter protein structure/function; Has not been previously published as pathogenic or benign to our knowledge; This variant is associated with the following publications: (PMID: 27236105)

NM_152594.3(SPRED1):c.350G>A (p.Arg117Gln)

Gene: SPRED1 (sprouty related EVH1 domain containing 1; plus strand). Cytogenetic location: 15q14.
Variant type: single nucleotide variant.
Coding change: c.350G>A on transcript NM_152594.3 (MANE Select); coding-DNA position 350, G replaced by A.
Protein change: p.Arg117Gln; replaces arginine 117 with glutamine.
Molecular consequence: missense variant.
Genome position (GRCh38, 1-based): chr15:38,322,383, G>A. VCF-style: chr15-38322383-G-A. GRCh37 (hg19) VCF-style: chr15-38614584-G-A.
Other names: short protein forms R117Q.
Identifiers: ClinVar variation 2506830 (VCV002506830.4), dbSNP rs749378713, ClinGen allele CA7470040.
Genomic context (GRCh38, chr15:38,322,383, plus strand): 5'-AGAAGTTTGGTCTTACGTTTCAAAGTCCTGCTGATGCTAGGGCTTTTGATAGAGGTATCC[G>A]AAGAGCTATAGAGGATATTTCTCAAGGTAGGTATTCTTGACTATTTTCTTAATTTATTTA-3'
Protein context (NP_689807.1, residues 107-127): ADARAFDRGI[Arg117Gln]RAIEDISQGC